The following is an entry in ClinVar:

ClinVar aggregate classification (germline): Uncertain significance (1 of 4 stars; one submission).

Conditions:
Hereditary spherocytosis type 1. Also called: Spherocytosis type 1; ANK1-Related Spherocytosis. Identifiers: Orphanet 822, MedGen C2674218, MONDO:0008447, OMIM 182900.

Submission:

ARUP Laboratories, Molecular Genetics and Genomics, ARUP Laboratories
Classification: Uncertain significance for Hereditary spherocytosis type 1. Last evaluated: 2025-04-09. Review status: criteria provided, single submitter. Criteria: ARUP Molecular Germline Variant Investigation Process 2024. Collection method: clinical testing. Allele origin: germline.
Comment: The ANK1 c.277G>A; p.Val93Met variant (rs1441441518), to our knowledge, is not reported in the medical literature or gene specific databases. This variant is also absent from the Genome Aggregation Database (v2.1.1), indicating it is not a common polymorphism. Computational analyses are uncertain whether this variant is neutral or deleterious (REVEL: 0.448). Due to limited information, the clinical significance of this variant is uncertain at this time.

NM_000037.4(ANK1):c.277G>A (p.Val93Met)

Gene: ANK1 (ankyrin 1; minus strand). Cytogenetic location: 8p11.21.
Variant type: single nucleotide variant.
Coding change: c.277G>A on transcript NM_000037.4 (MANE Select); coding-DNA position 277, G replaced by A.
Protein change: p.Val93Met; replaces valine 93 with methionine.
Molecular consequence: missense variant.
Genome position (GRCh38, 1-based): chr8:41,727,958, C>T on the plus strand (G>A on the coding strand, the complement: ANK1 is on the minus strand). VCF-style: chr8-41727958-C-T. GRCh37 (hg19) VCF-style: chr8-41585476-C-T.
Other names: c.376G>A, p.Val126Met (NM_001142446.2); c.277G>A, p.Val93Met (NM_020475.3, NM_020476.3, NM_020477.3); short protein forms V126M, V93M.
Identifiers: ClinVar variation 4685745 (VCV004685745.1).
Genomic context (GRCh38, chr8:41,727,958, plus strand): 5'-GAGCCATTACCTGTGACTGGGCGTTGACGTTGGCTCCATAGTTGACAAGCTCCCGGACCA[C>T]CTCATCCTGCCCGGCTAGAGCAGCGATGTGCAGGGCCGTGTTCCCCTTCTGAAACACATG-3'
Protein context (NP_000028.3, residues 83-103): HIAALAGQDE[Val93Met]VRELVNYGAN